The following is an entry in ClinVar:

NM_018418.5(SPATA7):c.635G>A (p.Arg212Gln)

Gene: SPATA7 (spermatogenesis associated 7; plus strand). Cytogenetic location: 14q31.3.
Variant type: single nucleotide variant.
Coding change: c.635G>A on transcript NM_018418.5 (MANE Select); coding-DNA position 635, G replaced by A.
Protein change: p.Arg212Gln; replaces arginine 212 with glutamine.
Molecular consequence: missense variant.
Genome position (GRCh38, 1-based): chr14:88,426,494, G>A. VCF-style: chr14-88426494-G-A. GRCh37 (hg19) VCF-style: chr14-88892838-G-A.
Other names: c.539G>A, p.Arg180Gln (NM_001040428.4); short protein forms R180Q, R212Q.
Identifiers: ClinVar variation 1058385 (VCV001058385.10), dbSNP rs772488728, ClinGen allele CA7298566.
Genomic context (GRCh38, chr14:88,426,494, plus strand): 5'-AACTGAGCTCTGGAGCCCTGTATGGCAGAAGGCCCAGAAGCACATTCCCAAATTCCCACC[G>A]GTTTCAGTTAGTCATTTCGAAAGCACCCAGTGGGGATCTTTTGGATAAACATTCTGAACT-3'
Protein context (NP_060888.2, residues 202-222): RPRSTFPNSH[Arg212Gln]FQLVISKAPS

ClinVar aggregate classification (germline): Uncertain significance. Review status: criteria provided, multiple submitters, no conflicts (2 of 4 stars). 2 submissions from 2 submitters: Uncertain significance (2). Last evaluated 2022-01-19.

Conditions:
Leber congenital amaurosis 3 (LCA3). Also called: SPATA7-Related Retinitis Pigmentosa. Identifiers: MedGen C1858677, MONDO:0011415, OMIM 604232.

Allele frequency attached by ClinVar (database versions not stated): gnomAD exomes below 0.00001; ExAC 0.00001.
gnomAD v4.1: 8 of 1,614,114 alleles (0.0005%); highest among the groups gnomAD compares: Admixed American, 0.0017%; no homozygotes.

Submissions (2):

Labcorp Genetics (formerly Invitae), Labcorp
Classification: Uncertain significance for Leber congenital amaurosis 3. Last evaluated: 2022-01-19. Review status: criteria provided, single submitter. Criteria: Invitae Variant Classification Sherloc (09022015). Collection method: clinical testing. Allele origin: germline.
Comment: In summary, the available evidence is currently insufficient to determine the role of this variant in disease. Therefore, it has been classified as a Variant of Uncertain Significance. Algorithms developed to predict the effect of sequence changes on RNA splicing suggest that this variant may create or strengthen a splice site. Algorithms developed to predict the effect of missense changes on protein structure and function output the following: SIFT: "Tolerated"; PolyPhen-2: "Benign"; Align-GVGD: "Class C0". The glutamine amino acid residue is found in multiple mammalian species, which suggests that this missense change does not adversely affect protein function. ClinVar contains an entry for this variant (Variation ID: 1058385). This variant has not been reported in the literature in individuals affected with SPATA7-related conditions. This variant is present in population databases (rs772488728, gnomAD 0.0009%). This sequence change replaces arginine, which is basic and polar, with glutamine, which is neutral and polar, at codon 212 of the SPATA7 protein (p.Arg212Gln).

Blueprint Genetics
Classification: Uncertain significance. Last evaluated: 2017-06-12. Review status: criteria provided, single submitter. Criteria: ACMG Guidelines, 2015. Collection method: clinical testing. Allele origin: germline.